The following is an entry in ClinVar:

NM_001244008.2(KIF1A):c.1845C>T (p.Arg615=)

Gene: KIF1A (kinesin family member 1A; minus strand). Cytogenetic location: 2q37.3.
Variant type: single nucleotide variant.
Coding change: c.1845C>T on transcript NM_001244008.2 (MANE Select); coding-DNA position 1845, C replaced by T.
Protein change: p.Arg615=; no amino-acid change (arginine 615 retained).
Molecular consequence: synonymous variant.
Genome position (GRCh38, 1-based): chr2:240,763,270, G>A on the plus strand (C>T on the coding strand, the complement: KIF1A is on the minus strand). VCF-style: chr2-240763270-G-A. GRCh37 (hg19) VCF-style: chr2-241702687-G-A.
Other names: c.1845C>T, p.Arg615= (NM_001320705.2, NM_001330289.2, NM_001379638.1); c.1920C>T, p.Arg640= (NM_001330290.2, NM_001379631.1, NM_001379634.1 and 2 more transcripts); c.1818C>T, p.Arg606= (NM_001379632.1, NM_001379633.1, NM_001379636.1 and 11 more transcripts); c.1893C>T, p.Arg631= (NM_001379637.1, NM_001379648.1).
Identifiers: ClinVar variation 2174004 (VCV002174004.5), dbSNP rs1359428742, ClinGen allele CA432035262.

ClinVar aggregate classification (germline): Likely benign. Review status: criteria provided, multiple submitters, no conflicts (2 of 4 stars). 2 submissions from 2 submitters: Likely benign (2). Last evaluated 2026-05-11.

Conditions:
Neuropathy, hereditary sensory, type 2C. Also called: Hereditary sensory and autonomic neuropathy type IIC; KIF1A-Related HSAN2 (HSAN2C). Identifiers: Orphanet 970, MedGen C3280168, MONDO:0013634, OMIM 614213.
Intellectual disability, autosomal dominant 9 (NESCAVS). Also called: KIF1A-Related Neurodevelopmental Disorder; NESCAV SYNDROME. Identifiers: Orphanet 662367, MedGen C5393830, MONDO:0013656, OMIM 614255.
Hereditary spastic paraplegia 30. Identifiers: Orphanet 101010, MedGen C5235139, MONDO:0012476.
KIF1A-related disorder. Also called: KIF1A-related disorders; KIF1A-related condition.

Allele frequency attached by ClinVar (database versions not stated): gnomAD 0.00001; gnomAD exomes 0.00001; TOPMed 0.00001.
gnomAD v4.1: 5 of 1,611,166 alleles (0.00031%); highest among the groups gnomAD compares: Non-Finnish European, 0.00042%; no homozygotes.

Submissions (2):

PreventionGenetics, part of Exact Sciences
Classification: Likely benign for KIF1A-related condition. Last evaluated: 2026-05-11. Review status: criteria provided, single submitter. Criteria: ACMG Guidelines, 2015. Collection method: clinical testing. Allele origin: germline.
Comment: This variant is classified as likely benign based on ACMG/AMP sequence variant interpretation guidelines (Richards et al. 2015 PMID: 25741868, with internal and published modifications).

Labcorp Genetics (formerly Invitae), Labcorp
Classification: Likely benign for Hereditary spastic paraplegia 30; Neuropathy, hereditary sensory, type 2C; Intellectual disability, autosomal dominant 9. Last evaluated: 2025-12-15. Review status: criteria provided, single submitter. Criteria: Invitae Variant Classification Sherloc (09022015). Collection method: clinical testing. Allele origin: germline.